The following is an entry in ClinVar:

NM_000321.3(RB1):c.2615T>A (p.Leu872Gln)

Gene: RB1 (RB transcriptional corepressor 1; plus strand). Cytogenetic location: 13q14.2.
Variant type: single nucleotide variant.
Coding change: c.2615T>A on transcript NM_000321.3 (MANE Select); coding-DNA position 2615, T replaced by A.
Protein change: p.Leu872Gln; replaces leucine 872 with glutamine.
Molecular consequence: missense variant.
Genome position (GRCh38, 1-based): chr13:48,476,795, T>A. VCF-style: chr13-48476795-T-A. GRCh37 (hg19) VCF-style: chr13-49050931-T-A.
Other names: c.2615T>A, p.Leu872Gln (NM_001407165.1); c.65T>A, p.Leu22Gln (NM_001407168.1); short protein forms L22Q, L872Q.
Identifiers: ClinVar variation 3231230 (VCV003231230.1), dbSNP rs1470516350, ClinGen allele CA388157473.

ClinVar aggregate classification (germline): Uncertain significance (1 of 4 stars; one submission).

Conditions:
Hereditary cancer-predisposing syndrome. Also called: Neoplastic Syndromes, Hereditary; Tumor predisposition; Hereditary neoplastic syndrome; Hereditary Cancer Syndrome. Identifiers: Orphanet 140162, MedGen C0027672, MeSH D009386, MONDO:0015356.

Submission:

Ambry Genetics
Classification: Uncertain significance for Hereditary cancer-predisposing syndrome. Last evaluated: 2024-02-27. Review status: criteria provided, single submitter. Criteria: Ambry Variant Classification Scheme 2023. Collection method: clinical testing. Allele origin: germline.
Comment: The p.L872Q variant (also known as c.2615T>A), located in coding exon 25 of the RB1 gene, results from a T to A substitution at nucleotide position 2615. The leucine at codon 872 is replaced by glutamine, an amino acid with dissimilar properties. This amino acid position is conserved. In addition, this alteration is predicted to be deleterious by in silico analysis. Based on the available evidence, the clinical significance of this alteration remains unclear.